The following is an entry in ClinVar:

NM_017514.5(PLXNA3):c.4321T>C (p.Cys1441Arg)

Gene: PLXNA3 (plexin A3; plus strand). Cytogenetic location: Xq28.
Variant type: single nucleotide variant.
Coding change: c.4321T>C on transcript NM_017514.5 (MANE Select); coding-DNA position 4321, T replaced by C.
Protein change: p.Cys1441Arg; replaces cysteine 1441 with arginine.
Molecular consequence: missense variant.
Genome position (GRCh38, 1-based): chrX:154,468,856, T>C. VCF-style: chrX-154468856-T-C. GRCh37 (hg19) VCF-style: chrX-153697199-T-C.
Other names: short protein forms C1441R.
Identifiers: ClinVar variation 3215565 (VCV003215565.2), dbSNP rs1232225472, ClinGen allele CA415249115.

ClinVar aggregate classification (germline): Uncertain significance. Review status: criteria provided, multiple submitters, no conflicts (2 of 4 stars). 2 submissions from 2 submitters: Uncertain significance (2). Last evaluated 2025-01-29.

Conditions:
PLXNA3-related disorder. Also called: PLXNA3-related condition.

Allele frequency attached by ClinVar (database versions not stated): gnomAD exomes below 0.00001; TOPMed 0.00002; gnomAD 0.00003.
gnomAD v4.1: 5 of 1,210,069 alleles (0.00041%); highest among the groups gnomAD compares: Non-Finnish European, 0.00056%; no homozygotes.

Submissions (2):

PreventionGenetics, part of Exact Sciences
Classification: Uncertain significance for PLXNA3-related condition. Last evaluated: 2025-01-29. Review status: criteria provided, single submitter. Criteria: ACMG Guidelines, 2015. Collection method: clinical testing. Allele origin: germline.
Comment: The PLXNA3 c.4321T>C variant is predicted to result in the amino acid substitution p.Cys1441Arg. To our knowledge, this variant has not been reported in the literature. This variant is reported in 0.0022% of alleles in individuals of European (Non-Finnish) descent in gnomAD. At this time, the clinical significance of this variant is uncertain due to the absence of conclusive functional and genetic evidence.

Ambry Genetics
Classification: Uncertain significance. Last evaluated: 2023-10-30. Review status: criteria provided, single submitter. Criteria: Ambry Variant Classification Scheme 2023. Collection method: clinical testing. Allele origin: germline.